The following is an entry in ClinVar:

ClinVar aggregate classification (germline): Likely benign (1 of 4 stars; one submission).

Conditions:
GLIS3-related disorder. Also called: GLIS3-related condition.

gnomAD v4.1: 8 of 1,613,920 alleles (0.0005%); highest among the groups gnomAD compares: African/African-American, 0.0013%; no homozygotes.

Submission:

PreventionGenetics, part of Exact Sciences
Classification: Likely benign for GLIS3-related condition. Last evaluated: 2026-08-05. Review status: criteria provided, single submitter. Criteria: ACMG Guidelines, 2015. Collection method: clinical testing. Allele origin: germline.
Comment: This variant is classified as likely benign based on ACMG/AMP sequence variant interpretation guidelines (Richards et al. 2015 PMID: 25741868, with internal and published modifications).

NM_001042413.2(GLIS3):c.279T>C (p.Asn93=)

Gene: GLIS3 (GLIS family zinc finger 3; minus strand). Cytogenetic location: 9p24.2.
Variant type: single nucleotide variant.
Coding change: c.279T>C on transcript NM_001042413.2 (MANE Select); coding-DNA position 279, T replaced by C.
Protein change: p.Asn93=; no amino-acid change (asparagine 93 retained).
Molecular consequence: synonymous variant. On other transcripts: 5 prime UTR variant (2), intron variant (3).
Genome position (GRCh38, 1-based): chr9:4,286,147, A>G on the plus strand (T>C on the coding strand, the complement: GLIS3 is on the minus strand). VCF-style: chr9-4286147-A-G. GRCh37 (hg19) VCF-style: chr9-4286147-A-G.
Other names: c.279T>C, p.Asn93= (NM_001438906.1, NM_001438907.1, NM_001438908.1 and 2 more transcripts); c.-180T>C (NM_001438911.1, NM_001438916.1); c.-71+13274T>C (NM_001438912.1); c.-78+13274T>C (NM_001438909.1, NM_001438915.1).
Identifiers: ClinVar variation 4977449 (VCV004977449.1).